The following is an entry in ClinVar:

ClinVar aggregate classification (germline): Uncertain significance (1 of 4 stars; one submission).

Allele frequency attached by ClinVar (database versions not stated): gnomAD exomes below 0.00001; TOPMed below 0.00001; gnomAD 0.00001.

Submission:

Labcorp Genetics (formerly Invitae), Labcorp
Classification: Uncertain significance. Last evaluated: 2021-09-18. Review status: criteria provided, single submitter. Criteria: Invitae Variant Classification Sherloc (09022015). Collection method: clinical testing. Allele origin: germline.
Comment: This sequence change replaces glutamic acid with glutamine at codon 860 of the CEP250 protein (p.Glu860Gln). The glutamic acid residue is moderately conserved and there is a small physicochemical difference between glutamic acid and glutamine. This variant is not present in population databases (ExAC no frequency). This variant has not been reported in the literature in individuals affected with CEP250-related conditions. Algorithms developed to predict the effect of missense changes on protein structure and function are either unavailable or do not agree on the potential impact of this missense change (SIFT: "Not Available"; PolyPhen-2: "Benign"; Align-GVGD: "Not Available"). In summary, the available evidence is currently insufficient to determine the role of this variant in disease. Therefore, it has been classified as a Variant of Uncertain Significance.

NM_007186.6(CEP250):c.2578G>C (p.Glu860Gln)

Genes: CEP250-AS1 (CEP250 antisense RNA 1; minus strand), CEP250 (centrosomal protein 250; plus strand). Cytogenetic location: 20q11.22.
Variant type: single nucleotide variant.
Coding change: c.2578G>C on transcript NM_007186.6 (MANE Select); coding-DNA position 2578, G replaced by C.
Protein change: p.Glu860Gln; replaces glutamic acid 860 with glutamine.
Molecular consequence: missense variant.
Genome position (GRCh38, 1-based): chr20:35,480,137, G>C. VCF-style: chr20-35480137-G-C. GRCh37 (hg19) VCF-style: chr20-34067962-G-C.
Other names: c.682G>C, p.Glu228Gln (NM_001318219.1); short protein forms E228Q, E860Q.
Identifiers: ClinVar variation 1377700 (VCV001377700.6), dbSNP rs1202344010, ClinGen allele CA408770156.